The following is an entry in ClinVar:

NM_006612.6(KIF1C):c.684C>T (p.Arg228=)

Gene: KIF1C (kinesin family member 1C; plus strand). Cytogenetic location: 17p13.2.
Variant type: single nucleotide variant.
Coding change: c.684C>T on transcript NM_006612.6 (MANE Select); coding-DNA position 684, C replaced by T.
Protein change: p.Arg228=; no amino-acid change (arginine 228 retained).
Molecular consequence: synonymous variant.
Genome position (GRCh38, 1-based): chr17:5,002,806, C>T. VCF-style: chr17-5002806-C-T. GRCh37 (hg19) VCF-style: chr17-4906101-C-T.
Identifiers: ClinVar variation 1694813 (VCV001694813.31), dbSNP rs1185872046, ClinGen allele CA497555399.

ClinVar aggregate classification (germline): Likely benign (1 of 4 stars; one submission).

Allele frequency attached by ClinVar (database versions not stated): gnomAD exomes below 0.00001; gnomAD 0.00001.
gnomAD v4.1: 4 of 1,613,738 alleles (0.00025%); highest among the groups gnomAD compares: Non-Finnish European, 0.00034%; no homozygotes.

Submission:

CeGaT Center for Human Genetics Tuebingen
Classification: Likely benign. Last evaluated: 2022-05-01. Review status: criteria provided, single submitter. Criteria: CeGaT Center For Human Genetics Tuebingen Variant Classification Criteria Version 2. Collection method: clinical testing. Allele origin: germline. Affected: yes. Observed: 1 variant allele.
Comment: KIF1C: BP4, BP7